The following is an entry in ClinVar:

ClinVar aggregate classification (germline): Pathogenic (1 of 4 stars; one submission).

Conditions:
EGFR-related lung cancer (EGFR). Identifiers: MedGen CN130014.

Submission:

Labcorp Genetics (formerly Invitae), Labcorp
Classification: Pathogenic for EGFR-related lung cancer. Last evaluated: 2023-07-18. Review status: criteria provided, single submitter. Criteria: Invitae Variant Classification Sherloc (09022015). Collection method: clinical testing. Allele origin: germline.
Comment: For these reasons, this variant has been classified as Pathogenic. ClinVar contains an entry for this variant (Variation ID: 2032844). This variant has not been reported in the literature in individuals affected with EGFR-related conditions. This variant is not present in population databases (gnomAD no frequency). This sequence change creates a premature translational stop signal (p.Trp164*) in the EGFR gene. It is expected to result in an absent or disrupted protein product. Loss-of-function variants in EGFR are known to be pathogenic (PMID: 7630400, 28726809, 29899996).

Literature cited by the submitters: PubMed 7630400; PubMed 28726809; PubMed 29899996.

NM_005228.5(EGFR):c.492_511del (p.Trp164_Asp171delinsTer)

Gene: EGFR (epidermal growth factor receptor; plus strand). Cytogenetic location: 7p11.2.
Variant type: Deletion.
Coding change: c.492_511del on transcript NM_005228.5 (MANE Select); coding-DNA positions 492 to 511, 20 bases deleted (GCGGGACATAGTCAGCAGTG).
Protein change: p.Trp164_Asp171delinsTer.
Molecular consequence: nonsense. On other transcripts: intron variant (3).
Genome position (GRCh38, 1-based): chr7:55,146,673-55,146,692, GCGGGACATAGTCAGCAGTG deleted; deleting any 20 consecutive bases within chr7:55,146,668-55,146,692 gives the same sequence; the c. name uses the placement nearest the transcript's 3' end. VCF-style (leftmost placement, unchanged base first): chr7-55146667-CCAGTGGCGGGACATAGTCAG-C. GRCh37 (hg19) VCF-style: chr7-55214360-CCAGTGGCGGGACATAGTCAG-C.
Other names: c.492_511del, p.Trp164_Asp171delinsTer (NM_001346898.2, NM_201282.2, NM_201283.2 and 1 more transcripts); c.333_352del, p.Trp111_Asp118delinsTer (NM_001346900.2); c.424+3185_424+3204del (NM_001346899.2, NM_001346897.2); c.89-9157_89-9138del (NM_001346941.2).
Identifiers: ClinVar variation 2032844 (VCV002032844.4), dbSNP rs2535467029, ClinGen allele CA2580077251.